The following is an entry in ClinVar:

NM_001377142.1(PLCB4):c.1677G>A (p.Ala559=)

Gene: PLCB4 (phospholipase C beta 4; plus strand). Cytogenetic location: 20p12.2.
Variant type: single nucleotide variant.
Coding change: c.1677G>A on transcript NM_001377142.1 (MANE Select); coding-DNA position 1677, G replaced by A.
Protein change: p.Ala559=; no amino-acid change (alanine 559 retained).
Molecular consequence: synonymous variant.
Genome position (GRCh38, 1-based): chr20:9,407,946, G>A. VCF-style: chr20-9407946-G-A. GRCh37 (hg19) VCF-style: chr20-9388593-G-A.
Other names: c.1641G>A, p.Ala547= (NM_000933.4, NM_001377134.2, NM_001377135.1 and 2 more transcripts); c.1677G>A, p.Ala559= (NM_001172646.2, NM_001377143.1).
Identifiers: ClinVar variation 897692 (VCV000897692.5), dbSNP rs35479108, ClinGen allele CA9761188.

ClinVar aggregate classification (germline): Benign/Likely benign. Review status: criteria provided, multiple submitters, no conflicts (2 of 4 stars). 2 submissions from 2 submitters: Benign (1); Likely benign (1). Last evaluated 2025-10-27.

Conditions:
Auriculocondylar syndrome 2 (ARCND2A). Also called: AURICULOCONDYLAR SYNDROME 2A. Identifiers: Orphanet 137888, MedGen C3553404, MONDO:0013845, OMIM 614669.
PLCB4-related disorder. Also called: PLCB4-related condition.

Allele frequency attached by ClinVar (database versions not stated): ExAC 0.00025; 1000 Genomes Project 30x 0.00047; TOPMed 0.00058; 1000 Genomes Project 0.00060; gnomAD 0.00060 and 0.00063; ESP Exome Variant Server 0.00069.
gnomAD v4.1: 177 of 1,613,692 alleles (0.011%); highest among the groups gnomAD compares: African/African-American, 0.16%; no homozygotes.

Submissions (2):

PreventionGenetics, part of Exact Sciences
Classification: Likely benign for PLCB4-related condition. Last evaluated: 2025-10-27. Review status: criteria provided, single submitter. Criteria: ACMG Guidelines, 2015. Collection method: clinical testing. Allele origin: germline.
Comment: This variant is classified as likely benign based on ACMG/AMP sequence variant interpretation guidelines (Richards et al. 2015 PMID: 25741868, with internal and published modifications).

Illumina Laboratory Services, Illumina
Classification: Benign for Auriculocondylar syndrome 2. Last evaluated: 2018-01-13. Review status: criteria provided, single submitter. Criteria: ICSL Variant Classification Criteria 13 December 2019. Collection method: clinical testing. Allele origin: germline.
Comment: This variant was observed in the ICSL laboratory as part of a predisposition screen in an ostensibly healthy population. It had not been previously curated by ICSL or reported in the Human Gene Mutation Database (HGMD: prior to June 1st, 2018), and was therefore a candidate for classification through an automated scoring system. Utilizing variant allele frequency, disease prevalence and penetrance estimates, and inheritance mode, an automated score was calculated to assess if this variant is too frequent to cause the disease. Based on the score and internal cut-off values, a variant classified as benign is not then subjected to further curation. The score for this variant resulted in a classification of benign for this disease.